The following is an entry in ClinVar:

ClinVar aggregate classification (germline): Uncertain significance. Review status: criteria provided, multiple submitters, no conflicts (2 of 4 stars). 3 submissions from 3 submitters: Uncertain significance (3). Last evaluated 2025-02-24.

Conditions:
Hereditary cancer-predisposing syndrome. Also called: Hereditary Cancer Syndrome; Neoplastic Syndromes, Hereditary; Tumor predisposition; Hereditary neoplastic syndrome. Identifiers: Orphanet 140162, MedGen C0027672, MeSH D009386, MONDO:0015356.
BAP1-related tumor predisposition syndrome (TPDS1). Also called: Tumor susceptibility linked to germline BAP1 mutations; BAP1 tumor predisposition syndrome; COMMON Syndrome; TUMOR PREDISPOSITION SYNDROME 1. Identifiers: Orphanet 289539, MedGen C3280492, MONDO:0013692, OMIM 614327.

Allele frequency attached by ClinVar (database versions not stated): ExAC 0.00001.

Submissions (3):

Labcorp Genetics (formerly Invitae), Labcorp
Classification: Uncertain significance for BAP1-related tumor predisposition syndrome. Last evaluated: 2025-02-24. Review status: criteria provided, single submitter. Criteria: Invitae Variant Classification Sherloc (09022015). Collection method: clinical testing. Allele origin: germline.
Comment: This sequence change replaces isoleucine, which is neutral and non-polar, with leucine, which is neutral and non-polar, at codon 191 of the BAP1 protein (p.Ile191Leu). This variant is present in population databases (rs758802692, gnomAD 0.006%). This variant has not been reported in the literature in individuals affected with BAP1-related conditions. ClinVar contains an entry for this variant (Variation ID: 489636). Invitae Evidence Modeling of protein sequence and biophysical properties (such as structural, functional, and spatial information, amino acid conservation, physicochemical variation, residue mobility, and thermodynamic stability) indicates that this missense variant is expected to disrupt BAP1 protein function with a positive predictive value of 80%. In summary, the available evidence is currently insufficient to determine the role of this variant in disease. Therefore, it has been classified as a Variant of Uncertain Significance.

Ambry Genetics
Classification: Uncertain significance for Hereditary cancer-predisposing syndrome. Last evaluated: 2022-09-01. Review status: criteria provided, single submitter. Criteria: Ambry Variant Classification Scheme 2023. Collection method: clinical testing. Allele origin: germline.
Comment: The p.I191L variant (also known as c.571A>C), located in coding exon 7 of the BAP1 gene, results from an A to C substitution at nucleotide position 571. The isoleucine at codon 191 is replaced by leucine, an amino acid with highly similar properties. This amino acid position is highly conserved in available vertebrate species. In addition, the in silico prediction for this alteration is inconclusive. Since supporting evidence is limited at this time, the clinical significance of this alteration remains unclear.

Color Diagnostics, LLC DBA Color Health
Classification: Uncertain significance for Hereditary cancer-predisposing syndrome. Last evaluated: 2020-09-09. Review status: criteria provided, single submitter. Criteria: ACMG Guidelines, 2015. Collection method: clinical testing. Allele origin: germline.
Comment: This missense variant replaces isoleucine with leucine at codon 191 of the BAP1 protein. Computational prediction suggests that this variant may not impact protein structure and function (internally defined REVEL score threshold <= 0.5, PMID: 27666373). To our knowledge, functional studies have not been reported for this variant. This variant has not been reported in individuals affected with hereditary cancer in the literature. This variant has been identified in 2/251304 chromosomes in the general population by the Genome Aggregation Database (gnomAD). The available evidence is insufficient to determine the role of this variant in disease conclusively. Therefore, this variant is classified as a Variant of Uncertain Significance.

NM_004656.4(BAP1):c.571A>C (p.Ile191Leu)

Gene: BAP1 (BRCA1 associated deubiquitinase 1; minus strand). Cytogenetic location: 3p21.1.
Variant type: single nucleotide variant.
Coding change: c.571A>C on transcript NM_004656.4 (MANE Select); coding-DNA position 571, A replaced by C.
Protein change: p.Ile191Leu; replaces isoleucine 191 with leucine.
Molecular consequence: missense variant.
Genome position (GRCh38, 1-based): chr3:52,407,183, T>G on the plus strand (A>C on the coding strand, the complement: BAP1 is on the minus strand). VCF-style: chr3-52407183-T-G. GRCh37 (hg19) VCF-style: chr3-52441199-T-G.
Other names: c.571A>C (LRG_529t1); short protein forms I191L.
Identifiers: ClinVar variation 489636 (VCV000489636.10), dbSNP rs758802692, ClinGen allele CA2437059.
Genomic context (GRCh38, chr3:52,407,183, plus strand): 5'-CCTAGGAGGTAGGCAGAGACACCCAACAGGCCTCCAGCTCATGGTGCCTACCATGGTCAA[T>G]GGGGTAGACCTTCAGCCCATCCAGCTCAAAGAGCCGGCCTGTGATAGGCACATAGCTGAC-3'
Protein context (NP_004647.1, residues 181-201): FELDGLKVYP[Ile191Leu]DHGPWGEDEE